The following is an entry in ClinVar:

ClinVar aggregate classification (germline): Pathogenic (1 of 4 stars; one submission).

Submission:

Labcorp Genetics (formerly Invitae), Labcorp
Classification: Pathogenic. Last evaluated: 2023-06-20. Review status: criteria provided, single submitter. Criteria: Invitae Variant Classification Sherloc (09022015). Collection method: clinical testing. Allele origin: germline.
Comment: This sequence change creates a premature translational stop signal (p.Arg117Lysfs*4) in the RNF168 gene. It is expected to result in an absent or disrupted protein product. Loss-of-function variants in RNF168 are known to be pathogenic (PMID: 19203578, 21394101). This variant is present in population databases (no rsID available, gnomAD 0.0009%). This variant has not been reported in the literature in individuals affected with RNF168-related conditions. For these reasons, this variant has been classified as Pathogenic.

Literature cited by the submitters: PubMed 19203578; PubMed 21394101.

NM_152617.4(RNF168):c.350_351del (p.Arg117fs)

Gene: RNF168 (ring finger protein 168; minus strand). Cytogenetic location: 3q29.
Variant type: Microsatellite.
Coding change: c.350_351del on transcript NM_152617.4 (MANE Select); coding-DNA positions 350 to 351, 2 bases deleted (GA; older notation c.350_351delGA).
Protein change: p.Arg117fs; shifts the reading frame from arginine 117.
Molecular consequence: frameshift variant.
Genome position (GRCh38, 1-based): chr3:196,488,634-196,488,635, TC deleted on the plus strand (GA on the coding strand, the reverse complement: RNF168 is on the minus strand); deleting any 2 consecutive bases within chr3:196,488,634-196,488,637 gives the same sequence; the c. name uses the placement nearest the transcript's 3' end. VCF-style (leftmost placement, unchanged base first): chr3-196488633-TTC-T. GRCh37 (hg19) VCF-style: chr3-196215504-TTC-T.
Other names: short protein forms R117fs.
Identifiers: ClinVar variation 2720076 (VCV002720076.3), dbSNP rs1423199445, ClinGen allele CA549035923.